The following is an entry in ClinVar:

NM_001614.5(ACTG1):c.260A>T (p.His87Leu)

Gene: ACTG1 (actin gamma 1; minus strand). Cytogenetic location: 17q25.3.
Variant type: single nucleotide variant.
Coding change: c.260A>T on transcript NM_001614.5 (MANE Select); coding-DNA position 260, A replaced by T.
Protein change: p.His87Leu; replaces histidine 87 with leucine.
Molecular consequence: missense variant. On other transcripts: non-coding transcript variant (1).
Genome position (GRCh38, 1-based): chr17:81,512,006, T>A on the plus strand (A>T on the coding strand, the complement: ACTG1 is on the minus strand). VCF-style: chr17-81512006-T-A. GRCh37 (hg19) VCF-style: chr17-79479032-T-A.
Other names: c.260A>T, p.His87Leu (NM_001199954.3); short protein forms H87L.
Identifiers: ClinVar variation 1387533 (VCV001387533.8), dbSNP rs2143783289, ClinGen allele CA401463047.
Genomic context (GRCh38, chr17:81,512,006, plus strand): 5'-TCGGTCAGCAGCACTGGGTGCTCCTCCGGGGCCACGCGCAGCTCGTTGTAGAAGGTGTGG[T>A]GCCAGATCTTCTCCATGTCGTCCCAGTTGGTGACGATGCCATGCTCAATGGGGTACTTCA-3'
Protein context (NP_001605.1, residues 77-97): TNWDDMEKIW[His87Leu]HTFYNELRVA

ClinVar aggregate classification (germline): Uncertain significance (1 of 4 stars; one submission).

Conditions:
Autosomal dominant nonsyndromic hearing loss 20. Identifiers: Orphanet 90635, MedGen C1858172, MONDO:0011480, OMIM 604717.
Baraitser-winter syndrome 2. Identifiers: Orphanet 2995, MedGen C3281235, MONDO:0013812, OMIM 614583.

Submission:

Labcorp Genetics (formerly Invitae), Labcorp
Classification: Uncertain significance for Baraitser-winter syndrome 2; Autosomal dominant nonsyndromic hearing loss 20. Last evaluated: 2021-04-13. Review status: criteria provided, single submitter. Criteria: Invitae Variant Classification Sherloc (09022015). Collection method: clinical testing. Allele origin: germline.
Comment: This sequence change replaces histidine with leucine at codon 87 of the ACTG1 protein (p.His87Leu). The histidine residue is highly conserved and there is a moderate physicochemical difference between histidine and leucine. This variant is not present in population databases (ExAC no frequency). This variant has not been reported in the literature in individuals with ACTG1-related conditions. Algorithms developed to predict the effect of missense changes on protein structure and function (SIFT, PolyPhen-2, Align-GVGD) all suggest that this variant is likely to be disruptive, but these predictions have not been confirmed by published functional studies and their clinical significance is uncertain. In summary, the available evidence is currently insufficient to determine the role of this variant in disease. Therefore, it has been classified as a Variant of Uncertain Significance.